The following is an entry in ClinVar:

ClinVar aggregate classification (germline): Uncertain significance. Review status: criteria provided, multiple submitters, no conflicts (2 of 4 stars). 3 submissions from 3 submitters: Uncertain significance (3). Last evaluated 2025-12-09.

Conditions:
Developmental and epileptic encephalopathy, 42 (DEE42A). Also called: Epileptic encephalopathy, early infantile, 42; DEVELOPMENTAL AND EPILEPTIC ENCEPHALOPATHY 42A; EPILEPTIC ENCEPHALOPATHY, EARLY INFANTILE, 42A. Identifiers: MedGen C4310716, MONDO:0014917, OMIM 617106.
Episodic ataxia type 2 (EA2). Also called: ACETAZOLAMIDE-RESPONSIVE HEREDITARY PAROXYSMAL CEREBELLAR ATAXIA; ATAXIA, EPISODIC, WITH NYSTAGMUS; ATAXIA, FAMILIAL PAROXYSMAL; CEREBELLAR ATAXIA, PAROXYSMAL, ACETAZOLAMIDE-RESPONSIVE; CEREBELLOPATHY, HEREDITARY PAROXYSMAL; EPISODIC ATAXIA, NYSTAGMUS-ASSOCIATED. Identifiers: Orphanet 97, MedGen C1720416, MONDO:0007163, OMIM 108500.
Inborn genetic diseases. Identifiers: MedGen C0950123, MeSH D030342.

Allele frequency attached by ClinVar (database versions not stated): gnomAD exomes below 0.00001; ExAC 0.00001; gnomAD 0.00001; TOPMed 0.00002; ESP Exome Variant Server 0.00008.
gnomAD v4.1: 8 of 1,600,236 alleles (0.0005%); highest among the groups gnomAD compares: Non-Finnish European, 0.00068%; no homozygotes.

Submissions (3):

Labcorp Genetics (formerly Invitae), Labcorp
Classification: Uncertain significance for Developmental and epileptic encephalopathy, 42; Episodic ataxia type 2. Last evaluated: 2025-12-09. Review status: criteria provided, single submitter. Criteria: Invitae Variant Classification Sherloc (09022015). Collection method: clinical testing. Allele origin: germline.
Comment: This sequence change replaces alanine, which is neutral and non-polar, with threonine, which is neutral and polar, at codon 771 of the CACNA1A protein (p.Ala771Thr). This variant is present in population databases (rs376308062, gnomAD 0.004%). This variant has not been reported in the literature in individuals affected with CACNA1A-related conditions. ClinVar contains an entry for this variant (Variation ID: 1789445). Invitae Evidence Modeling of protein sequence and biophysical properties (such as structural, functional, and spatial information, amino acid conservation, physicochemical variation, residue mobility, and thermodynamic stability) indicates that this missense variant is not expected to disrupt CACNA1A protein function with a negative predictive value of 95%. In summary, the available evidence is currently insufficient to determine the role of this variant in disease. Therefore, it has been classified as a Variant of Uncertain Significance.

CeGaT Center for Human Genetics Tuebingen
Classification: Uncertain significance. Last evaluated: 2024-11-01. Review status: criteria provided, single submitter. Criteria: CeGaT Center For Human Genetics Tuebingen Variant Classification Criteria Version 2. Collection method: clinical testing. Allele origin: germline. Affected: yes. Observed: 2 variant alleles.
Comment: CACNA1A: PP2

Ambry Genetics
Classification: Uncertain significance for Inborn genetic diseases. Last evaluated: 2020-11-12. Review status: criteria provided, single submitter. Criteria: Ambry Variant Classification Scheme 2023. Collection method: clinical testing. Allele origin: germline.

NM_001127222.2(CACNA1A):c.2308G>A (p.Ala770Thr)

Gene: CACNA1A (calcium voltage-gated channel subunit alpha1 A; minus strand). Cytogenetic location: 19p13.13.
Variant type: single nucleotide variant.
Coding change: c.2308G>A on transcript NM_001127222.2 (MANE Select); coding-DNA position 2308, G replaced by A.
Protein change: p.Ala770Thr; replaces alanine 770 with threonine.
Molecular consequence: missense variant.
Genome position (GRCh38, 1-based): chr19:13,299,325, C>T on the plus strand (G>A on the coding strand, the complement: CACNA1A is on the minus strand). VCF-style: chr19-13299325-C-T. GRCh37 (hg19) VCF-style: chr19-13410139-C-T.
Other names: c.2320G>A, p.Ala774Thr (NM_000068.4, NM_023035.3); c.2311G>A, p.Ala771Thr (NM_001127221.2, NM_001174080.2); short protein forms A770T, A774T, A771T.
Identifiers: ClinVar variation 1789445 (VCV001789445.31), dbSNP rs376308062, ClinGen allele CA9240571.